The following is an entry in ClinVar:

NR_002196.3(H19):n.1607G>A

Genes: H19 (H19 imprinted maternally expressed transcript; minus strand), HOTS (H19 opposite tumor suppressor; plus strand), MRPL23 (mitochondrial ribosomal protein L23; plus strand). Cytogenetic location: 11p15.5.
Variant type: single nucleotide variant.
Molecular consequence: non-coding transcript variant (on NR_002196.3). On other transcripts: intron variant (1).
Genome position: GRCh38 VCF-style: chr11-1995965-C-T. GRCh37 (hg19) VCF-style: chr11-2017195-C-T.
Other names: c.498-15576C>T (NM_001400176.1).
Identifiers: ClinVar variation 4887543 (VCV004887543.1).

ClinVar aggregate classification (germline): Uncertain significance (1 of 4 stars; one submission).

Submission:

Women's Health and Genetics/Laboratory Corporation of America, LabCorp
Classification: Uncertain significance. Last evaluated: 2026-06-03. Review status: criteria provided, single submitter. Criteria: LabCorp Variant Classification Summary - May 2015. Collection method: clinical testing. Allele origin: germline.
Comment: Variant summary: H19 n.1640G>A alters a nucleotide in the non-coding RNA. The variant was absent in 231750 control chromosomes. The available data on variant occurrences in the general population are insufficient to allow any conclusion about variant significance. To our knowledge, no occurrence of n.1640G>A in individuals affected with H19-related conditions and no experimental evidence demonstrating its impact on protein function have been reported. No submitters have cited clinical-significance assessments for this variant to ClinVar. Based on the evidence outlined above, the variant was classified as uncertain significance.